The following is an entry in ClinVar:

NM_016292.3(TRAP1):c.1665C>T (p.Val555=)

Genes: DNASE1 (deoxyribonuclease 1; plus strand), TRAP1 (TNF receptor associated protein 1; minus strand). Cytogenetic location: 16p13.3.
Variant type: single nucleotide variant.
Coding change: c.1665C>T on transcript NM_016292.3 (MANE Select); coding-DNA position 1665, C replaced by T.
Protein change: p.Val555=; no amino-acid change (valine 555 retained).
Molecular consequence: synonymous variant. On other transcripts: 3 prime UTR variant (1).
Genome position (GRCh38, 1-based): chr16:3,663,467, G>A on the plus strand (C>T on the coding strand, the complement: TRAP1 is on the minus strand). VCF-style: chr16-3663467-G-A. GRCh37 (hg19) VCF-style: chr16-3713468-G-A.
Other names: c.1506C>T, p.Val502= (NM_001272049.2); c.*843G>A (NM_001387140.1).
Identifiers: ClinVar variation 1670311 (VCV001670311.30), dbSNP rs139364551, ClinGen allele CA7867975.

ClinVar aggregate classification (germline): Benign/Likely benign. Review status: criteria provided, multiple submitters, no conflicts (2 of 4 stars). 2 submissions from 2 submitters: Benign (1); Likely benign (1). Last evaluated 2025-09-10.

Allele frequency attached by ClinVar (database versions not stated): gnomAD 0.00198; ESP Exome Variant Server 0.00254; 1000 Genomes Project 0.00200; 1000 Genomes Project 30x 0.00203.
gnomAD v4.1: 607 of 1,614,154 alleles (0.038%); highest among the groups gnomAD compares: African/African-American, 0.66%; 5 homozygotes.

Submissions (2):

Labcorp Genetics (formerly Invitae), Labcorp
Classification: Benign. Last evaluated: 2025-09-10. Review status: criteria provided, single submitter. Criteria: Invitae Variant Classification Sherloc (09022015). Collection method: clinical testing. Allele origin: germline.

CeGaT Center for Human Genetics Tuebingen
Classification: Likely benign. Last evaluated: 2022-04-01. Review status: criteria provided, single submitter. Criteria: CeGaT Center For Human Genetics Tuebingen Variant Classification Criteria Version 2. Collection method: clinical testing. Allele origin: germline. Affected: yes. Observed: 1 variant allele.
Comment: TRAP1: BP4, BP7